The following is an entry in ClinVar:

NM_015295.3(SMCHD1):c.485T>C (p.Val162Ala)

Gene: SMCHD1 (structural maintenance of chromosomes flexible hinge domain containing 1; plus strand). Cytogenetic location: 18p11.32.
Variant type: single nucleotide variant.
Coding change: c.485T>C on transcript NM_015295.3 (MANE Select); coding-DNA position 485, T replaced by C.
Protein change: p.Val162Ala; replaces valine 162 with alanine.
Molecular consequence: missense variant.
Genome position (GRCh38, 1-based): chr18:2,673,341, T>C. VCF-style: chr18-2673341-T-C. GRCh37 (hg19) VCF-style: chr18-2673340-T-C.
Other names: c.485T>C (NM_015295.2); short protein forms V162A.
Identifiers: ClinVar variation 1432382 (VCV001432382.7), dbSNP rs748341516, ClinGen allele CA8870563.
Genomic context (GRCh38, chr18:2,673,341, plus strand): 5'-CATTTGCTCTTGCGGAATTAATTGACAATTCATTGTCTGCTACTTCTCGTAACATTGGGG[T>C]TAGAAGAATACAGATCAAATTGGTAAGGAAATAATACTGTAAAGCAATTTAACTTTTCCT-3'
Protein context (NP_056110.2, residues 152-172): SLSATSRNIG[Val162Ala]RRIQIKLLFD

ClinVar aggregate classification (germline): Uncertain significance. Review status: criteria provided, multiple submitters, no conflicts (2 of 4 stars). 2 submissions from 2 submitters: Uncertain significance (2). Last evaluated 2024-05-13.

Conditions:
Facioscapulohumeral muscular dystrophy 2 (FSHD2). Also called: FACIOSCAPULOHUMERAL MUSCULAR DYSTROPHY 2, DIGENIC; FSHD2, DIGENIC; MUSCULAR DYSTROPHY, FACIOSCAPULOHUMERAL, TYPE 1B. Identifiers: Orphanet 269, MedGen C1834671, MONDO:0008031, OMIM 158901.
Inborn genetic diseases. Identifiers: MedGen C0950123, MeSH D030342.

Allele frequency attached by ClinVar (database versions not stated): gnomAD exomes below 0.00001 and 0.00002; ExAC 0.00003.
gnomAD v4.1: 4 of 1,576,580 alleles (0.00025%); highest among the groups gnomAD compares: East Asian, 0.0091%; no homozygotes.

Submissions (2):

Ambry Genetics
Classification: Uncertain significance for Inborn genetic diseases. Last evaluated: 2024-05-13. Review status: criteria provided, single submitter. Criteria: Ambry Variant Classification Scheme 2023. Collection method: clinical testing. Allele origin: germline.

Labcorp Genetics (formerly Invitae), Labcorp
Classification: Uncertain significance for Facioscapulohumeral muscular dystrophy 2. Last evaluated: 2021-12-24. Review status: criteria provided, single submitter. Criteria: Invitae Variant Classification Sherloc (09022015). Collection method: clinical testing. Allele origin: germline.
Comment: In summary, the available evidence is currently insufficient to determine the role of this variant in disease. Therefore, it has been classified as a Variant of Uncertain Significance. Algorithms developed to predict the effect of missense changes on protein structure and function are either unavailable or do not agree on the potential impact of this missense change (SIFT: "Deleterious"; PolyPhen-2: "Benign"; Align-GVGD: "Class C25"). This variant has not been reported in the literature in individuals affected with SMCHD1-related conditions. This variant is present in population databases (rs748341516, gnomAD 0.02%). This sequence change replaces valine, which is neutral and non-polar, with alanine, which is neutral and non-polar, at codon 162 of the SMCHD1 protein (p.Val162Ala).